The following is an entry in ClinVar:

NM_001001331.4(ATP2B2):c.2703G>A (p.Gln901=)

Gene: ATP2B2 (ATPase plasma membrane Ca2+ transporting 2; minus strand). Cytogenetic location: 3p25.3.
Variant type: single nucleotide variant.
Coding change: c.2703G>A on transcript NM_001001331.4 (MANE Select); coding-DNA position 2703, G replaced by A.
Protein change: p.Gln901=; no amino-acid change (glutamine 901 retained).
Molecular consequence: synonymous variant.
Genome position (GRCh38, 1-based): chr3:10,345,384, C>T on the plus strand (G>A on the coding strand, the complement: ATP2B2 is on the minus strand). VCF-style: chr3-10345384-C-T. GRCh37 (hg19) VCF-style: chr3-10387068-C-T.
Other names: c.2568G>A, p.Gln856= (NM_001330611.3, NM_001353564.1, NM_001363862.1 and 2 more transcripts); c.2610G>A, p.Gln870= (NM_001438646.1).
Identifiers: ClinVar variation 4882123 (VCV004882123.2).

ClinVar aggregate classification (germline): Uncertain significance (1 of 4 stars; one submission).

gnomAD v4.1: 4 of 1,614,192 alleles (0.00025%); highest among the groups gnomAD compares: Non-Finnish European, 0.00034%; no homozygotes.

Submission:

Dasa
Classification: Uncertain significance. Last evaluated: 2025-10-10. Review status: criteria provided, single submitter. Criteria: DASA Assertion Criteria. Collection method: clinical testing. Allele origin: germline.
Comment: NM_001001331.4(ATP2B2):c.2703G>A (p.Gln901=) is a synonymous variant predicted not to alter the encoded amino acid sequence. This variant is rare in population databases. The currently available literature and clinical evidence are not sufficient to establish a definitive association between this variant and the reported condition. Therefore, this variant is classified as a variant of uncertain significance.